The following is an entry in ClinVar:

NM_001943.5(DSG2):c.2285C>A (p.Ala762Glu)

Genes: DSG2 (desmoglein 2; plus strand), DSG2-AS1 (DSG2 antisense RNA 1; minus strand). Cytogenetic location: 18q12.1.
Variant type: single nucleotide variant.
Coding change: c.2285C>A on transcript NM_001943.5 (MANE Select); coding-DNA position 2285, C replaced by A.
Protein change: p.Ala762Glu; replaces alanine 762 with glutamic acid.
Molecular consequence: missense variant.
Genome position (GRCh38, 1-based): chr18:31,542,803, C>A. VCF-style: chr18-31542803-C-A. GRCh37 (hg19) VCF-style: chr18-29122766-C-A.
Other names: short protein forms A762E.
Identifiers: ClinVar variation 1789000 (VCV001789000.7), dbSNP rs2073277854, ClinGen allele CA402143010.

ClinVar aggregate classification (germline): Uncertain significance. Review status: criteria provided, multiple submitters, no conflicts (2 of 4 stars). 2 submissions from 2 submitters: Uncertain significance (2). Last evaluated 2025-03-22.

Conditions:
Cardiovascular phenotype. Identifiers: MedGen CN230736.
Arrhythmogenic right ventricular dysplasia 10. Also called: Arrhythmogenic Right Ventricular Dysplasia/Cardiomyopathy10; ARRHYTHMOGENIC RIGHT VENTRICULAR DYSPLASIA, FAMILIAL, 10; Arrhythmogenic right ventricular dysplasia/cardiomyopathy, type 10. Identifiers: MedGen C1857777, MONDO:0012434, OMIM 610193.

gnomAD v4.1: 4 of 1,596,542 alleles (0.00025%); highest among the groups gnomAD compares: Non-Finnish European, 0.00034%; no homozygotes.

Submissions (2):

Labcorp Genetics (formerly Invitae), Labcorp
Classification: Uncertain significance for Arrhythmogenic right ventricular dysplasia 10. Last evaluated: 2025-03-22. Review status: criteria provided, single submitter. Criteria: Invitae Variant Classification Sherloc (09022015). Collection method: clinical testing. Allele origin: germline.
Comment: This sequence change replaces alanine, which is neutral and non-polar, with glutamic acid, which is acidic and polar, at codon 762 of the DSG2 protein (p.Ala762Glu). This variant is not present in population databases (gnomAD no frequency). This variant has not been reported in the literature in individuals affected with DSG2-related conditions. ClinVar contains an entry for this variant (Variation ID: 1789000). Invitae Evidence Modeling of protein sequence and biophysical properties (such as structural, functional, and spatial information, amino acid conservation, physicochemical variation, residue mobility, and thermodynamic stability) indicates that this missense variant is not expected to disrupt DSG2 protein function with a negative predictive value of 95%. In summary, the available evidence is currently insufficient to determine the role of this variant in disease. Therefore, it has been classified as a Variant of Uncertain Significance.

Ambry Genetics
Classification: Uncertain significance for Cardiovascular phenotype. Last evaluated: 2020-03-28. Review status: criteria provided, single submitter. Criteria: Ambry Variant Classification Scheme 2023. Collection method: clinical testing. Allele origin: germline.
Comment: The p.A762E variant (also known as c.2285C>A), located in coding exon 14 of the DSG2 gene, results from a C to A substitution at nucleotide position 2285. The alanine at codon 762 is replaced by glutamic acid, an amino acid with dissimilar properties. This amino acid position is not well conserved in available vertebrate species. In addition, this alteration is predicted to be tolerated by in silico analysis. Since supporting evidence is limited at this time, the clinical significance of this alteration remains unclear.